The following is an entry in ClinVar:

ClinVar aggregate classification (germline): Uncertain significance. Review status: criteria provided, multiple submitters, no conflicts (2 of 4 stars). 2 submissions from 2 submitters: Uncertain significance (2). Last evaluated 2026-07-16.

Conditions:
Hereditary cancer-predisposing syndrome. Also called: Hereditary Cancer Syndrome; Tumor predisposition; Hereditary neoplastic syndrome; Neoplastic Syndromes, Hereditary. Identifiers: Orphanet 140162, MedGen C0027672, MeSH D009386, MONDO:0015356.
Ataxia-telangiectasia syndrome (AT). Also called: Ataxia telangiectasia (A-T); Ataxia-telangiectasia, complementation group E; LOUIS-BAR SYNDROME; Cerebello-oculocutaneous telangiectasia; Immunodeficiency with ataxia telangiectasia; Ataxia-telangiectasia, complementation group D. Identifiers: Orphanet 100, MedGen C0004135, MONDO:0008840, OMIM 208900.

Allele frequency attached by ClinVar (database versions not stated): gnomAD exomes below 0.00001.
gnomAD v4.1: 1 of 1,614,060 alleles (0.000062%); highest among the groups gnomAD compares: Non-Finnish European, 0.000085%; no homozygotes.

Submissions (2):

Ambry Genetics
Classification: Uncertain significance for Hereditary cancer-predisposing syndrome. Last evaluated: 2026-07-16. Review status: criteria provided, single submitter. Criteria: Ambry Variant Classification Scheme 2023. Collection method: clinical testing. Allele origin: germline.
Comment: The p.T909I variant (also known as c.2726C>T), located in coding exon 17 of the ATM gene, results from a C to T substitution at nucleotide position 2726. The threonine at codon 909 is replaced by isoleucine, an amino acid with similar properties. In an assay testing ATM function, this variant showed a functionally normal result (Lee KS et al. Cell, 2025 Sep;188:5081-5099.e27). This amino acid position is highly conserved in available vertebrate species. In addition, the in silico prediction for this alteration is inconclusive. Based on the available evidence, the clinical significance of this variant remains unclear.

Labcorp Genetics (formerly Invitae), Labcorp
Classification: Uncertain significance for Ataxia-telangiectasia syndrome. Last evaluated: 2021-06-05. Review status: criteria provided, single submitter. Criteria: Invitae Variant Classification Sherloc (09022015). Collection method: clinical testing. Allele origin: germline.
Comment: In summary, the available evidence is currently insufficient to determine the role of this variant in disease. Therefore, it has been classified as a Variant of Uncertain Significance. This sequence change replaces threonine with isoleucine at codon 909 of the ATM protein (p.Thr909Ile). The threonine residue is moderately conserved and there is a moderate physicochemical difference between threonine and isoleucine. This variant is not present in population databases (ExAC no frequency). This variant has not been reported in the literature in individuals with ATM-related disease. Algorithms developed to predict the effect of missense changes on protein structure and function do not agree on the potential impact of this missense change (SIFT: "Deleterious"; PolyPhen-2: "Possibly Damaging"; Align-GVGD: "Class C15").

Literature cited by the submitters: PubMed 40580951 (cited by Ambry Genetics).

NM_000051.4(ATM):c.2726C>T (p.Thr909Ile)

Gene: ATM (ATM serine/threonine kinase; plus strand). Cytogenetic location: 11q22.3.
Variant type: single nucleotide variant.
Coding change: c.2726C>T on transcript NM_000051.4 (MANE Select); coding-DNA position 2726, C replaced by T.
Protein change: p.Thr909Ile; replaces threonine 909 with isoleucine.
Molecular consequence: missense variant.
Genome position (GRCh38, 1-based): chr11:108,268,497, C>T. VCF-style: chr11-108268497-C-T. GRCh37 (hg19) VCF-style: chr11-108139224-C-T.
Other names: c.2726C>T, p.Thr909Ile (NM_001351834.2); short protein forms T909I.
Identifiers: ClinVar variation 524400 (VCV000524400.8), dbSNP rs1555083259, ClinGen allele CA382545335.
Genomic context (GRCh38, chr11:108,268,497, plus strand): 5'-ATCTGTCAAAGCAAGATCTACTTTTCTTAGACATGCTCAAGTTCTTGTGTTTGTGTGTAA[C>T]TACTGCTCAGACCAATACTGTGTCCTTTAGGGCAGCTGATATTCGGAGGAAATTGTTAAT-3'
Protein context (NP_000042.3, residues 899-919): DMLKFLCLCV[Thr909Ile]TAQTNTVSFR